The following is an entry in ClinVar:

ClinVar aggregate classification (germline): Uncertain significance (1 of 4 stars; one submission).

Conditions:
Cataract 1 multiple types. Also called: CATARACT, DUFFY-LINKED; CATARACT 1, NUCLEAR PROGRESSIVE; CATARACT 1, POSTERIOR SUBCAPSULAR, WITH MICROCORNEA; CATARACT 1, STELLATE NUCLEAR, WITH MICROCORNEA; CATARACT 1, MULTIPLE TYPES, WITH OR WITHOUT MICROCORNEA; CATARACT 1 WITH MICROCORNEA. Identifiers: Orphanet 1377, MedGen C1861828, MONDO:0007285, OMIM 116200.

gnomAD v4.1: 1 of 1,614,076 alleles (0.000062%); highest among the groups gnomAD compares: East Asian, 0.0022%; no homozygotes.

Submission:

Labcorp Genetics (formerly Invitae), Labcorp
Classification: Uncertain significance for Cataract 1 multiple types. Last evaluated: 2025-03-18. Review status: criteria provided, single submitter. Criteria: Invitae Variant Classification Sherloc (09022015). Collection method: clinical testing. Allele origin: germline.
Comment: This sequence change replaces glutamic acid, which is acidic and polar, with glycine, which is neutral and non-polar, at codon 301 of the GJA8 protein (p.Glu301Gly). This variant is present in population databases (no rsID available, gnomAD 0.006%). This variant has not been reported in the literature in individuals affected with GJA8-related conditions. Invitae Evidence Modeling of protein sequence and biophysical properties (such as structural, functional, and spatial information, amino acid conservation, physicochemical variation, residue mobility, and thermodynamic stability) indicates that this missense variant is not expected to disrupt GJA8 protein function with a negative predictive value of 95%. In summary, the available evidence is currently insufficient to determine the role of this variant in disease. Therefore, it has been classified as a Variant of Uncertain Significance.

NM_005267.5(GJA8):c.902A>G (p.Glu301Gly)

Gene: GJA8 (gap junction protein alpha 8; plus strand). Cytogenetic location: 1q21.2.
Variant type: single nucleotide variant.
Coding change: c.902A>G on transcript NM_005267.5 (MANE Select); coding-DNA position 902, A replaced by G.
Protein change: p.Glu301Gly; replaces glutamic acid 301 with glycine.
Molecular consequence: missense variant.
Genome position (GRCh38, 1-based): chr1:147,908,857, A>G. VCF-style: chr1-147908857-A-G. GRCh37 (hg19) VCF-style: chr1-147380984-A-G.
Other names: short protein forms E301G.
Identifiers: ClinVar variation 4769804 (VCV004769804.1).
Genomic context (GRCh38, chr1:147,908,857, plus strand): 5'-TGACCGAGGTTGGGATGGTGGAGACCAGCCCACTGCCTGCCAAGCCTTTCAATCAGTTCG[A>G]GGAGAAGATCAGCACAGGACCCCTGGGGGACTTGTCCCGGGGCTACCAAGAGACACTGCC-3'
Protein context (NP_005258.2, residues 291-311): PLPAKPFNQF[Glu301Gly]EKISTGPLGD